The following is an entry in ClinVar:

ClinVar aggregate classification (germline): Uncertain significance (1 of 4 stars; one submission).

Conditions:
Hereditary spastic paraplegia 11. Also called: Nakamura Osame syndrome; Autosomal recessive hereditary spastic paraplegia, mental impairment, and thin corpus callosum; SPASTIC PARAPLEGIA, AUTOSOMAL RECESSIVE, COMPLICATED, WITH THIN CORPUS CALLOSUM; SPASTIC PARAPLEGIA, AUTOSOMAL RECESSIVE, WITH MENTAL IMPAIRMENT AND THIN CORPUS CALLOSUM; Spastic Paraplegia 11; Spastic paraplegia, mental retardation and thin corpus callosum. Identifiers: Orphanet 2822, MedGen C1858479, MONDO:0011445, OMIM 604360.

Allele frequency attached by ClinVar (database versions not stated): gnomAD exomes below 0.00001.
gnomAD v4.1: 3 of 1,613,956 alleles (0.00019%); highest among the groups gnomAD compares: African/African-American, 0.0013%; no homozygotes.

Submission:

Labcorp Genetics (formerly Invitae), Labcorp
Classification: Uncertain significance for Hereditary spastic paraplegia 11. Last evaluated: 2022-06-21. Review status: criteria provided, single submitter. Criteria: Invitae Variant Classification Sherloc (09022015). Collection method: clinical testing. Allele origin: germline.
Comment: In summary, the available evidence is currently insufficient to determine the role of this variant in disease. Therefore, it has been classified as a Variant of Uncertain Significance. Algorithms developed to predict the effect of missense changes on protein structure and function output the following: SIFT: "Tolerated"; PolyPhen-2: "Benign"; Align-GVGD: "Class C0". The isoleucine amino acid residue is found in multiple mammalian species, which suggests that this missense change does not adversely affect protein function. This variant has not been reported in the literature in individuals affected with SPG11-related conditions. This variant is not present in population databases (gnomAD no frequency). This sequence change replaces threonine, which is neutral and polar, with isoleucine, which is neutral and non-polar, at codon 629 of the SPG11 protein (p.Thr629Ile).

NM_025137.4(SPG11):c.1886C>T (p.Thr629Ile)

Gene: SPG11 (SPG11 vesicle trafficking associated, spatacsin; minus strand). Cytogenetic location: 15q21.1.
Variant type: single nucleotide variant.
Coding change: c.1886C>T on transcript NM_025137.4 (MANE Select); coding-DNA position 1886, C replaced by T.
Protein change: p.Thr629Ile; replaces threonine 629 with isoleucine.
Molecular consequence: missense variant.
Genome position (GRCh38, 1-based): chr15:44,629,238, G>A on the plus strand (C>T on the coding strand, the complement: SPG11 is on the minus strand). VCF-style: chr15-44629238-G-A. GRCh37 (hg19) VCF-style: chr15-44921436-G-A.
Other names: c.1886C>T, p.Thr629Ile (NM_001160227.2, NM_001411132.1); short protein forms T629I.
Identifiers: ClinVar variation 2008498 (VCV002008498.4), dbSNP rs2505601166, ClinGen allele CA392234462.
Genomic context (GRCh38, chr15:44,629,238, plus strand): 5'-ATCTGTTCTGACACAGGAACAGTAGAATTGCCCCCTTCCTAGCTGCTATTCTTACCTTCA[G>A]TGTGAATGAAAAGCTCCTTTATTTGGTTGTTAAGGAAAGACAGTGTAAGATTAAGCAATT-3'
Protein context (NP_079413.3, residues 619-639): NNQIKELFIH[Thr629Ile]EELDEHLQKG